The following is an entry in ClinVar:

NM_007294.4(BRCA1):c.3190A>T (p.Ser1064Cys)

Gene: BRCA1 (BRCA1 DNA repair associated; minus strand). Cytogenetic location: 17q21.31.
Variant type: single nucleotide variant.
Coding change: c.3190A>T on transcript NM_007294.4 (MANE Select); coding-DNA position 3190, A replaced by T.
Protein change: p.Ser1064Cys; replaces serine 1064 with cysteine.
Molecular consequence: missense variant. On other transcripts: intron variant (137).
Genome position (GRCh38, 1-based): chr17:43,092,341, T>A on the plus strand (A>T on the coding strand, the complement: BRCA1 is on the minus strand). VCF-style: chr17-43092341-T-A. GRCh37 (hg19) VCF-style: chr17-41244358-T-A.
Other names: c.2977A>T, p.Ser993Cys (NM_001407894.1, NM_001407895.1, NM_001407896.1 and 9 more transcripts); c.2980A>T, p.Ser994Cys (NM_001407900.1, NM_001407902.1, NM_001407904.1 and 13 more transcripts); c.3067A>T, p.Ser1023Cys (NM_001407919.1, NM_001407937.1, NM_001407938.1 and 19 more transcripts); c.2926A>T, p.Ser976Cys (NM_001407920.1, NM_001407921.1, NM_001407922.1 and 9 more transcripts); c.2923A>T, p.Ser975Cys (NM_001407930.1, NM_001407931.1, NM_001407932.1 and 2 more transcripts); c.3064A>T, p.Ser1022Cys (NM_001407940.1, NM_001407941.1, NM_001407649.1 and 11 more transcripts); c.3049A>T, p.Ser1017Cys (NM_001407942.1, NM_001407944.1, NM_001407945.1 and 29 more transcripts); c.3046A>T, p.Ser1016Cys (NM_001407943.1, NM_001407964.1, NM_001407740.1 and 20 more transcripts); and 41 more; short protein forms S1064C, S1017C, S953C, S993C, S996C, S997C, S1023C, S1038C.
Identifiers: ClinVar variation 54795 (VCV000054795.19), dbSNP rs273899702, ClinGen allele CA002077.
Genomic context (GRCh38, chr17:43,092,341, plus strand): 5'-GCATAGCATTCAATTTTGGCCCTCTGTTTCTACCTAGTTCTGCTTGAATGTTTTCATCAC[T>A]GGAACCTATTTCATTAATACTGGAGCCCACTTCATTAGTACTGGAACCTACTTCATTAAT-3'
Protein context (NP_009225.1, residues 1054-1074): VGSSINEIGS[Ser1064Cys]DENIQAELGR

ClinVar aggregate classification (germline): Conflicting classifications of pathogenicity. Review status: criteria provided, conflicting classifications (1 of 4 stars). 6 submissions from 6 submitters: Uncertain significance (4); Likely benign (1). 1 of the submissions does not count toward it. Last evaluated 2025-11-10.

Conditions:
Hereditary cancer-predisposing syndrome. Also called: Tumor predisposition; Neoplastic Syndromes, Hereditary; Hereditary Cancer Syndrome; Hereditary neoplastic syndrome. Identifiers: Orphanet 140162, MedGen C0027672, MeSH D009386, MONDO:0015356.
Hereditary breast ovarian cancer syndrome. Also called: Hereditary breast and ovarian cancer syndrome (HBOC); Hereditary breast and ovarian cancer syndrome; Hereditary breast and ovarian cancer; Hereditary breast and/or ovarian cancer syndrome; Breast and ovarian cancer; BRCA1- and BRCA2-Associated Hereditary Breast and Ovarian Cancer. Identifiers: Orphanet 145, MedGen C0677776, MeSH D061325, MONDO:0003582. Disease mechanism: loss of function.
Breast-ovarian cancer, familial, susceptibility to, 1 (BROVCA1). Also called: OVARIAN CANCER, SUSCEPTIBILITY TO; BRCA1 Hereditary Breast and Ovarian Cancer. Identifiers: Orphanet 145, MedGen C2676676, MONDO:0011450, OMIM 604370. Disease mechanism: loss of function.

Allele frequency attached by ClinVar (database versions not stated): gnomAD exomes below 0.00001; TOPMed 0.00001.
gnomAD v4.1: 2 of 1,613,994 alleles (0.00012%); highest among the groups gnomAD compares: Non-Finnish European, 0.00017%; no homozygotes.

Submissions (6):

Labcorp Genetics (formerly Invitae), Labcorp
Classification: Uncertain significance for Hereditary breast ovarian cancer syndrome. Last evaluated: 2025-11-10. Review status: criteria provided, single submitter. Criteria: Invitae Variant Classification Sherloc (09022015). Collection method: clinical testing. Allele origin: germline.
Comment: This sequence change replaces serine, which is neutral and polar, with cysteine, which is neutral and slightly polar, at codon 1064 of the BRCA1 protein (p.Ser1064Cys). This variant is not present in population databases (gnomAD no frequency). This missense change has been observed in individual(s) with clinical features of BRCA1-related conditions (PMID: 10923033, 31409081, 31853058). ClinVar contains an entry for this variant (Variation ID: 54795). Invitae Evidence Modeling of protein sequence and biophysical properties (such as structural, functional, and spatial information, amino acid conservation, physicochemical variation, residue mobility, and thermodynamic stability) indicates that this missense variant is expected to disrupt BRCA1 protein function with a positive predictive value of 80%. In summary, the available evidence is currently insufficient to determine the role of this variant in disease. Therefore, it has been classified as a Variant of Uncertain Significance.

Ambry Genetics
Classification: Uncertain significance for Hereditary cancer-predisposing syndrome. Last evaluated: 2025-01-30. Review status: criteria provided, single submitter. Criteria: Ambry Variant Classification Scheme 2023. Collection method: clinical testing. Allele origin: germline.
Comment: The p.S1064C variant (also known as c.3190A>T), located in coding exon 9 of the BRCA1 gene, results from an A to T substitution at nucleotide position 3190. The serine at codon 1064 is replaced by cysteine, an amino acid with dissimilar properties. This amino acid position is well conserved in available vertebrate species. In addition, the in silico prediction for this alteration is inconclusive. Since supporting evidence is limited at this time, the clinical significance of this alteration remains unclear.

GeneDx
Classification: Uncertain significance. Last evaluated: 2023-07-26. Review status: criteria provided, single submitter. Criteria: GeneDx Variant Classification Process June 2021. Collection method: clinical testing. Allele origin: germline. Affected: yes.
Comment: Not observed at significant frequency in large population cohorts (gnomAD); In silico analysis supports that this missense variant has a deleterious effect on protein structure/function; Has not been previously published as pathogenic or benign to our knowledge; Also known as 3309A>T; This variant is associated with the following publications: (PMID: 31853058, 32377563, 15343273, 31911673, 29884841)

University of Washington Department of Laboratory Medicine, University of Washington
Classification: Likely benign for Hereditary cancer-predisposing syndrome. Last evaluated: 2023-03-23. Review status: criteria provided, single submitter. Criteria: Dines et al. (Genet Med. 2020). Collection method: curation. Allele origin: germline.
Comment: Missense variant in a coldspot region where missense variants are very unlikely to be pathogenic (PMID:31911673).

BRCA1 coldspot (exon 11 using historical exon numbering). Reclassification based on statistical prior probability

Sema4
Classification: Uncertain significance for Hereditary cancer-predisposing syndrome. Last evaluated: 2022-02-17. Review status: criteria provided, single submitter. Criteria: Sema4 Curation Guidelines. Collection method: curation. Allele origin: germline.
Comment: To the best of our knowledge, the BRCA1 c.3190A>T (p.S1064C) variant has been detected in at least five families with suspected hereditary breast and ovarian cancer (PMID: 31409081, 31853058). This variant is not reported in the population database Genome Aggregation Database (PMID: 32461654) but has been reported in ClinVar (Variation ID: 54795). In silico tools suggest the impact of the variant on protein function is deleterious, though these predictions have not been confirmed by functional studies. The evidence is insufficient to meet ACMG/AMP criteria for classifying the variant as benign or pathogenic. Thus, the clinical significance of this variant is currently uncertain.

Breast Cancer Information Core (BIC) (BRCA1)
Classification: Uncertain significance for Breast-ovarian cancer, familial 1. Last evaluated: 2010-12-17. Review status: no assertion criteria provided. Collection method: clinical testing. Allele origin: germline. Affected: yes. Observed: 1 variant allele. Not counted in ClinVar's aggregate classification.

Literature cited by the submitters: PubMed 10923033 (cited by Labcorp Genetics (formerly Invitae), Labcorp); PubMed 31409081 (cited by Labcorp Genetics (formerly Invitae), Labcorp and Sema4); PubMed 31853058 (cited by Labcorp Genetics (formerly Invitae), Labcorp and Sema4).